The following is an entry in ClinVar:

ClinVar aggregate classification (germline): Uncertain significance (1 of 4 stars; one submission).

Conditions:
Fanconi anemia (FA). Also called: Fanconi's anemia. Identifiers: Orphanet 84, MedGen C0015625, MeSH D005199, MONDO:0019391.

Submission:

Labcorp Genetics (formerly Invitae), Labcorp
Classification: Uncertain significance for Fanconi anemia. Last evaluated: 2025-12-01. Review status: criteria provided, single submitter. Criteria: Invitae Variant Classification Sherloc (09022015). Collection method: clinical testing. Allele origin: germline.
Comment: This sequence change replaces serine, which is neutral and polar, with cysteine, which is neutral and slightly polar, at codon 305 of the FANCB protein (p.Ser305Cys). This variant is not present in population databases (gnomAD no frequency). This variant has not been reported in the literature in individuals affected with FANCB-related conditions. Invitae Evidence Modeling of protein sequence and biophysical properties (such as structural, functional, and spatial information, amino acid conservation, physicochemical variation, residue mobility, and thermodynamic stability) indicates that this missense variant is expected to disrupt FANCB protein function with a positive predictive value of 80%. In summary, the available evidence is currently insufficient to determine the role of this variant in disease. Therefore, it has been classified as a Variant of Uncertain Significance.

NM_001018113.3(FANCB):c.914C>G (p.Ser305Cys)

Gene: FANCB (FA complementation group B; minus strand). Cytogenetic location: Xp22.2.
Variant type: single nucleotide variant.
Coding change: c.914C>G on transcript NM_001018113.3 (MANE Select); coding-DNA position 914, C replaced by G.
Protein change: p.Ser305Cys; replaces serine 305 with cysteine.
Molecular consequence: missense variant.
Genome position (GRCh38, 1-based): chrX:14,864,597, G>C on the plus strand (C>G on the coding strand, the complement: FANCB is on the minus strand). VCF-style: chrX-14864597-G-C. GRCh37 (hg19) VCF-style: chrX-14882719-G-C.
Other names: c.914C>G, p.Ser305Cys (NM_001324162.2, NM_001410764.1, NM_152633.4); short protein forms S305C.
Identifiers: ClinVar variation 4763356 (VCV004763356.1).